The following is an entry in ClinVar:

ClinVar aggregate classification (germline): Uncertain significance (1 of 4 stars; one submission).

Conditions:
Neuropathy, hereditary sensory and autonomic, type 2A (HSAN2A). Also called: ACROOSTEOLYSIS, GIACCAI TYPE; ACROOSTEOLYSIS, NEUROGENIC; WNK1-Related HSAN2 (HSAN2A); MORVAN DISEASE; NEUROPATHY, CONGENITAL SENSORY; NEUROPATHY, HEREDITARY SENSORY RADICULAR, AUTOSOMAL RECESSIVE. Identifiers: Orphanet 970, MedGen C2752089, MONDO:0024309, OMIM 201300.
Generalized epilepsy with febrile seizures plus, type 7 (GEFSP7). Also called: GEFS+, TYPE 7. Identifiers: Orphanet 36387, MedGen C2751778, MONDO:0013470, OMIM 613863.

Submission:

Labcorp Genetics (formerly Invitae), Labcorp
Classification: Uncertain significance for Neuropathy, hereditary sensory and autonomic, type 2A; Generalized epilepsy with febrile seizures plus, type 7. Last evaluated: 2023-05-22. Review status: criteria provided, single submitter. Criteria: Invitae Variant Classification Sherloc (09022015). Collection method: clinical testing. Allele origin: germline.
Comment: This sequence change replaces isoleucine, which is neutral and non-polar, with valine, which is neutral and non-polar, at codon 1904 of the SCN9A protein (p.Ile1904Val). In summary, the available evidence is currently insufficient to determine the role of this variant in disease. Therefore, it has been classified as a Variant of Uncertain Significance. This variant is not present in population databases (gnomAD no frequency). This variant has not been reported in the literature in individuals affected with SCN9A-related conditions. Advanced modeling of protein sequence and biophysical properties (such as structural, functional, and spatial information, amino acid conservation, physicochemical variation, residue mobility, and thermodynamic stability) performed at Invitae indicates that this missense variant is not expected to disrupt SCN9A protein function.

NM_001365536.1(SCN9A):c.5743A>G (p.Ile1915Val)

Genes: SCN1A-AS1 (SCN1A and SCN9A antisense RNA 1; plus strand), SCN9A (sodium voltage-gated channel alpha subunit 9; minus strand). Cytogenetic location: 2q24.3.
Variant type: single nucleotide variant.
Coding change: c.5743A>G on transcript NM_001365536.1 (MANE Select); coding-DNA position 5743, A replaced by G.
Protein change: p.Ile1915Val; replaces isoleucine 1915 with valine.
Molecular consequence: missense variant.
Genome position (GRCh38, 1-based): chr2:166,198,896, T>C on the plus strand (A>G on the coding strand, the complement: SCN9A is on the minus strand). VCF-style: chr2-166198896-T-C. GRCh37 (hg19) VCF-style: chr2-167055406-T-C.
Other names: c.5710A>G, p.Ile1904Val (NM_002977.4); short protein forms I1915V, I1904V.
Identifiers: ClinVar variation 2933724 (VCV002933724.3), dbSNP rs2468874621, ClinGen allele CA349051598.